The following is an entry in ClinVar:

ClinVar aggregate classification (germline): Likely benign (1 of 4 stars; one submission).

gnomAD v4.1: 375 of 715,716 alleles (0.052%); highest among the groups gnomAD compares: Non-Finnish European, 0.086%; no homozygotes.

Submission:

CeGaT Center for Human Genetics Tuebingen
Classification: Likely benign. Last evaluated: 2026-08-01. Review status: criteria provided, single submitter. Criteria: CeGaT Center For Human Genetics Tuebingen Variant Classification Criteria Version 2. Collection method: clinical testing. Allele origin: germline. Affected: yes. Observed: 1 variant allele.
Comment: TDRD15: BP4, BP7

NM_001306137.2(TDRD15):c.381G>A (p.Ala127=)

Gene: TDRD15 (tudor domain containing 15; plus strand). Cytogenetic location: 2p24.1.
Variant type: single nucleotide variant.
Coding change: c.381G>A on transcript NM_001306137.2 (MANE Select); coding-DNA position 381, G replaced by A.
Protein change: p.Ala127=; no amino-acid change (alanine 127 retained).
Molecular consequence: synonymous variant.
Genome position (GRCh38, 1-based): chr2:21,137,848, G>A. VCF-style: chr2-21137848-G-A. GRCh37 (hg19) VCF-style: chr2-21360720-G-A.
Identifiers: ClinVar variation 5038616 (VCV005038616.1).